The following is an entry in ClinVar:

ClinVar aggregate classification (germline): Conflicting classifications of pathogenicity. Review status: criteria provided, conflicting classifications (1 of 4 stars). 3 submissions from 3 submitters: Uncertain significance (2); Likely benign (1). Last evaluated 2026-02-09.

Allele frequency attached by ClinVar (database versions not stated): TOPMed 0.00002.
gnomAD v4.1: 51 of 1,498,564 alleles (0.0034%); highest among the groups gnomAD compares: Non-Finnish European, 0.0044%; no homozygotes.

Submissions (3):

Women's Health and Genetics/Laboratory Corporation of America, LabCorp
Classification: Uncertain significance. Last evaluated: 2026-02-09. Review status: criteria provided, single submitter. Criteria: LabCorp Variant Classification Summary - May 2015. Collection method: clinical testing. Allele origin: germline.
Comment: Variant summary: ZNF469 c.3255G>T (p.Glu1085Asp) results in a conservative amino acid change in the encoded protein sequence. Algorithms developed to predict the effect of missense changes on protein structure and function are either unavailable or do not agree on the potential impact of this missense change. The variant allele was found at a frequency of 2.1e-05 in 96262 control chromosomes. The available data on variant occurrences in the general population are insufficient to allow any conclusion about variant significance. To our knowledge, no occurrence of c.3255G>T in individuals affected with ZNF469-related conditions and no experimental evidence demonstrating its impact on protein function have been reported. ClinVar contains an entry for this variant (Variation ID: 2058897). Based on the evidence outlined above, the variant was classified as uncertain significance.

Labcorp Genetics (formerly Invitae), Labcorp
Classification: Likely benign. Last evaluated: 2025-12-17. Review status: criteria provided, single submitter. Criteria: Invitae Variant Classification Sherloc (09022015). Collection method: clinical testing. Allele origin: germline.

Mayo Clinic Laboratories, Mayo Clinic
Classification: Uncertain significance. Last evaluated: 2025-10-10. Review status: criteria provided, single submitter. Criteria: ACMG Guidelines, 2015. Collection method: clinical testing. Allele origin: germline. Observed: 1 variant allele.
Comment: BP4

NM_001367624.2(ZNF469):c.3255G>T (p.Glu1085Asp)

Genes: ZNF469 (zinc finger protein 469; plus strand), LOC130059718 (ATAC-STARR-seq lymphoblastoid silent region 7847; plus strand). Cytogenetic location: 16q24.2.
Variant type: single nucleotide variant.
Coding change: c.3255G>T on transcript NM_001367624.2 (MANE Select); coding-DNA position 3255, G replaced by T.
Protein change: p.Glu1085Asp; replaces glutamic acid 1085 with aspartic acid.
Molecular consequence: missense variant.
Genome position (GRCh38, 1-based): chr16:88,430,725, G>T. VCF-style: chr16-88430725-G-T. GRCh37 (hg19) VCF-style: chr16-88497133-G-T.
Other names: p.Glu1085Asp; short protein forms E1085D.
Identifiers: ClinVar variation 2058897 (VCV002058897.6), dbSNP rs886052401, ClinGen allele CA286374683.
Genomic context (GRCh38, chr16:88,430,725, plus strand): 5'-GGGGCGGCGGGCGGGCAGGTGCGGCTCCCTGGCGGCGGGGAGGCCCCGGCCCGGAGCTGA[G>T]GACCGCAGGCTCCGCGAGTACGACTTCGCCTCGGAGTCCGAGGAGGACGAGCAGCCTCCG-3'
Protein context (NP_001354553.1, residues 1075-1095): LAAGRPRPGA[Glu1085Asp]DRRLREYDFA